The following is an entry in ClinVar:

NM_018834.6(MATR3):c.2543A>G (p.Ter848=)

Gene: MATR3 (matrin 3; plus strand). Cytogenetic location: 5q31.2.
Variant type: single nucleotide variant.
Coding change: c.2543A>G on transcript NM_018834.6 (MANE Select); coding-DNA position 2543, A replaced by G.
Protein change: p.Ter848=.
Molecular consequence: synonymous variant.
Genome position (GRCh38, 1-based): chr5:139,329,394, A>G. VCF-style: chr5-139329394-A-G. GRCh37 (hg19) VCF-style: chr5-138665083-A-G.
Other names: c.2543A>G, p.Ter848= (NM_001194954.2, NM_001194955.2, NM_199189.3); c.1679A>G, p.Ter560= (NM_001194956.2); c.1529A>G, p.Ter510= (NM_001282278.2).
Identifiers: ClinVar variation 351144 (VCV000351144.37), dbSNP rs200664940, ClinGen allele CA3433492.
Genomic context (GRCh38, chr5:139,329,394, plus strand): 5'-TTTCTTTATAGAAATTTCTGAATAAATTGGCAGAAGAACGCAGACAGAAGAAGGAAACTT[A>G]AGATGTGCAAGGAGATTTAATGATTTCAAAGAAAATAATGGTTCTTTGTTTTTAATGTTA-3'

ClinVar aggregate classification (germline): Likely benign. Review status: criteria provided, multiple submitters, no conflicts (2 of 4 stars). 4 submissions from 4 submitters: Likely benign (3). 1 of the submissions does not count toward it. Last evaluated 2025-12-21.

Conditions:
MATR3-related disorder. Also called: MATR3-related condition.
Amyotrophic lateral sclerosis type 21. Also called: VOCAL CORD AND PHARYNGEAL DYSFUNCTION WITH DISTAL MYOPATHY; MYOPATHY, DISTAL, 2. Identifiers: Orphanet 600, Orphanet 803, MedGen C3807521, MONDO:0011632, OMIM 606070.

Allele frequency attached by ClinVar (database versions not stated): gnomAD 0.00009; ExAC 0.00010; TOPMed 0.00012; gnomAD exomes 0.00013 and 0.00015; 1000 Genomes Project 30x 0.00016; 1000 Genomes Project 0.00020; ESP Exome Variant Server 0.00031.
gnomAD v4.1: 210 of 1,609,948 alleles (0.013%); highest among the groups gnomAD compares: Admixed American, 0.025%; no homozygotes.

Submissions (4):

Labcorp Genetics (formerly Invitae), Labcorp
Classification: Likely benign for Amyotrophic lateral sclerosis type 21. Last evaluated: 2025-12-21. Review status: criteria provided, single submitter. Criteria: Invitae Variant Classification Sherloc (09022015). Collection method: clinical testing. Allele origin: germline.

CeGaT Center for Human Genetics Tuebingen
Classification: Likely benign. Last evaluated: 2025-10-01. Review status: criteria provided, single submitter. Criteria: CeGaT Center For Human Genetics Tuebingen Variant Classification Criteria Version 2. Collection method: clinical testing. Allele origin: germline. Affected: yes. Observed: 2 variant alleles.
Comment: MATR3: BS2

Illumina Laboratory Services, Illumina
Classification: Likely benign for Amyotrophic lateral sclerosis type 21. Last evaluated: 2017-04-27. Review status: criteria provided, single submitter. Criteria: ICSL Variant Classification Criteria 13 December 2019. Collection method: clinical testing. Allele origin: germline.
Comment: This variant was observed as part of a predisposition screen in an ostensibly healthy population. A literature search was performed for the gene, cDNA change, and amino acid change (where applicable). No publications were found based on this search. Allele frequency data from public databases allowed determination this variant is unlikely to cause disease. Therefore, this variant is classified as likely benign.

PreventionGenetics, part of Exact Sciences
Classification: Likely benign for MATR3-related condition. Last evaluated: 2024-05-28. Review status: no assertion criteria provided. Collection method: clinical testing. Allele origin: germline. Not counted in ClinVar's aggregate classification.
Comment: This variant is classified as likely benign based on ACMG/AMP sequence variant interpretation guidelines (Richards et al. 2015 PMID: 25741868, with internal and published modifications).